The following is an entry in ClinVar:

NM_020778.5(ALPK3):c.4092G>T (p.Glu1364Asp)

Gene: ALPK3 (alpha kinase 3; plus strand). Cytogenetic location: 15q25.3.
Variant type: single nucleotide variant.
Coding change: c.4092G>T on transcript NM_020778.5 (MANE Select); coding-DNA position 4092, G replaced by T.
Protein change: p.Glu1364Asp; replaces glutamic acid 1364 with aspartic acid.
Molecular consequence: missense variant.
Genome position (GRCh38, 1-based): chr15:84,859,902, G>T. VCF-style: chr15-84859902-G-T. GRCh37 (hg19) VCF-style: chr15-85403133-G-T.
Other names: short protein forms E1364D.
Identifiers: ClinVar variation 1349589 (VCV001349589.10), dbSNP rs778715401, ClinGen allele CA273629127.

ClinVar aggregate classification (germline): Conflicting classifications of pathogenicity. Review status: criteria provided, conflicting classifications (1 of 4 stars). 2 submissions from 2 submitters: Uncertain significance (1); Likely benign (1). Last evaluated 2025-07-07.

Conditions:
Cardiovascular phenotype. Identifiers: MedGen CN230736.

gnomAD v4.1: 16 of 1,614,036 alleles (0.00099%); highest among the groups gnomAD compares: African/African-American, 0.0013%; no homozygotes.

Submissions (2):

Ambry Genetics
Classification: Likely benign for Cardiovascular phenotype. Last evaluated: 2025-07-07. Review status: criteria provided, single submitter. Criteria: Ambry Variant Classification Scheme 2023. Collection method: clinical testing. Allele origin: germline.

Labcorp Genetics (formerly Invitae), Labcorp
Classification: Uncertain significance. Last evaluated: 2024-05-13. Review status: criteria provided, single submitter. Criteria: Invitae Variant Classification Sherloc (09022015). Collection method: clinical testing. Allele origin: germline.
Comment: This sequence change replaces glutamic acid, which is acidic and polar, with aspartic acid, which is acidic and polar, at codon 1566 of the ALPK3 protein (p.Glu1566Asp). This variant is not present in population databases (gnomAD no frequency). This variant has not been reported in the literature in individuals affected with ALPK3-related conditions. ClinVar contains an entry for this variant (Variation ID: 1349589). An algorithm developed to predict the effect of missense changes on protein structure and function (PolyPhen-2) suggests that this variant is likely to be tolerated. In summary, the available evidence is currently insufficient to determine the role of this variant in disease. Therefore, it has been classified as a Variant of Uncertain Significance.